The following is an entry in ClinVar:

ClinVar aggregate classification (germline): Uncertain significance (1 of 4 stars; one submission).

Submission:

GeneDx
Classification: Uncertain significance. Last evaluated: 2024-05-04. Review status: criteria provided, single submitter. Criteria: GeneDx Variant Classification Process June 2021. Collection method: clinical testing. Allele origin: germline. Affected: yes.
Comment: Not observed at significant frequency in large population cohorts (gnomAD); In silico analysis indicates that this missense variant does not alter protein structure/function; Has not been previously published as pathogenic or benign to our knowledge

NM_015215.4(CAMTA1):c.787C>T (p.Leu263Phe)

Gene: CAMTA1 (calmodulin binding transcription activator 1; plus strand). Cytogenetic location: 1p36.23.
Variant type: single nucleotide variant.
Coding change: c.787C>T on transcript NM_015215.4 (MANE Select); coding-DNA position 787, C replaced by T.
Protein change: p.Leu263Phe; replaces leucine 263 with phenylalanine.
Molecular consequence: missense variant.
Genome position (GRCh38, 1-based): chr1:7,661,848, C>T. VCF-style: chr1-7661848-C-T. GRCh37 (hg19) VCF-style: chr1-7721908-C-T.
Other names: c.697C>T, p.Leu233Phe (NM_001349608.2, NM_001349612.2); c.787C>T, p.Leu263Phe (NM_001349609.2, NM_001349610.2, NM_001410737.1); c.715C>T, p.Leu239Phe (NM_001410738.1); short protein forms L233F, L239F, L263F.
Identifiers: ClinVar variation 3376046 (VCV003376046.1).